The following is an entry in ClinVar:

NM_001035.3(RYR2):c.5651A>G (p.Lys1884Arg)

Gene: RYR2 (ryanodine receptor 2; plus strand). Cytogenetic location: 1q43.
Variant type: single nucleotide variant.
Coding change: c.5651A>G on transcript NM_001035.3 (MANE Select); coding-DNA position 5651, A replaced by G.
Protein change: p.Lys1884Arg; replaces lysine 1884 with arginine.
Molecular consequence: missense variant.
Genome position (GRCh38, 1-based): chr1:237,614,779, A>G. VCF-style: chr1-237614779-A-G. GRCh37 (hg19) VCF-style: chr1-237778079-A-G.
Other names: short protein forms K1884R.
Identifiers: ClinVar variation 2731252 (VCV002731252.5), dbSNP rs1170663653, ClinGen allele CA345405640.

ClinVar aggregate classification (germline): Conflicting classifications of pathogenicity. Review status: criteria provided, conflicting classifications (1 of 4 stars). 4 submissions from 4 submitters: Uncertain significance (3); Likely benign (1). Last evaluated 2024-02-13.

Conditions:
Cardiomyopathy (CMYO). Also called: Cardiomyopathies. Identifiers: Orphanet 167848, MedGen C0878544, MONDO:0004994, HP:0001638. Inheritance: Various modes of inheritance.
Catecholaminergic polymorphic ventricular tachycardia (CVPT). Also called: Catecholamine-induced polymorphic ventricular tachycardia. Identifiers: Orphanet 3286, MedGen C5574922, MONDO:0017990.
Catecholaminergic polymorphic ventricular tachycardia 1. Also called: VENTRICULAR TACHYCARDIA, CATECHOLAMINERGIC POLYMORPHIC, 1, WITH OR WITHOUT ATRIAL DYSFUNCTION AND/OR DILATED CARDIOMYOPATHY; RYR2-Related Catecholaminergic Polymorphic Ventricular Tachycardia; VENTRICULAR TACHYCARDIA, STRESS-INDUCED POLYMORPHIC 1. Identifiers: Orphanet 3286, MedGen C1631597, MONDO:0011484, OMIM 604772.

Allele frequency attached by ClinVar (database versions not stated): TOPMed below 0.00001.
gnomAD v4.1: 2 of 1,610,684 alleles (0.00012%); highest among the groups gnomAD compares: Non-Finnish European, 0.000085%; no homozygotes.

Submissions (4):

Color Diagnostics, LLC DBA Color Health
Classification: Uncertain significance for Cardiomyopathy. Last evaluated: 2024-02-13. Review status: criteria provided, single submitter. Criteria: ACMG Guidelines, 2015. Collection method: clinical testing. Allele origin: germline.
Comment: This missense variant replaces lysine with arginine at codon 1884 of the RYR2 protein. Computational prediction suggests that this variant may not impact protein structure and function (internally defined REVEL score threshold <= 0.5, PMID: 27666373). To our knowledge, functional studies have not been reported for this variant. This variant has not been reported in individuals affected with RYR2-related disorders in the literature. This variant has not been identified in the general population by the Genome Aggregation Database (gnomAD). The available evidence is insufficient to determine the role of this variant in disease conclusively. Therefore, this variant is classified as a Variant of Uncertain Significance.

All of Us Research Program, National Institutes of Health
Classification: Uncertain significance for Catecholaminergic polymorphic ventricular tachycardia. Last evaluated: 2023-12-11. Review status: criteria provided, single submitter. Criteria: ACMG Guidelines, 2015. Collection method: clinical testing. Allele origin: germline. Inheritance: Autosomal dominant inheritance. Observed: 1 variant allele, 1 heterozygote.
Comment: This study involves interpretation of variants in research participants for the purpose of population health screening. Participant phenotype was not available at the time of variant classification. Additional details can be found in publication PMID: 35346344, PMCID: PMC8962531

Labcorp Genetics (formerly Invitae), Labcorp
Classification: Uncertain significance for Catecholaminergic polymorphic ventricular tachycardia 1. Last evaluated: 2023-08-22. Review status: criteria provided, single submitter. Criteria: Invitae Variant Classification Sherloc (09022015). Collection method: clinical testing. Allele origin: germline.
Comment: In summary, the available evidence is currently insufficient to determine the role of this variant in disease. Therefore, it has been classified as a Variant of Uncertain Significance. Advanced modeling of protein sequence and biophysical properties (such as structural, functional, and spatial information, amino acid conservation, physicochemical variation, residue mobility, and thermodynamic stability) performed at Invitae indicates that this missense variant is not expected to disrupt RYR2 protein function. This variant has not been reported in the literature in individuals affected with RYR2-related conditions. This variant is not present in population databases (gnomAD no frequency). This sequence change replaces lysine, which is basic and polar, with arginine, which is basic and polar, at codon 1884 of the RYR2 protein (p.Lys1884Arg).

Blueprint Genetics
Classification: Likely benign. Last evaluated: 2023-02-27. Review status: criteria provided, single submitter. Criteria: ACMG Guidelines, 2015. Collection method: clinical testing. Allele origin: germline.